The following is an entry in ClinVar:

NM_017654.4(SAMD9):c.700A>G (p.Thr234Ala)

Gene: SAMD9 (sterile alpha motif domain containing 9; minus strand). Cytogenetic location: 7q21.2.
Variant type: single nucleotide variant.
Coding change: c.700A>G on transcript NM_017654.4 (MANE Select); coding-DNA position 700, A replaced by G.
Protein change: p.Thr234Ala; replaces threonine 234 with alanine.
Molecular consequence: missense variant.
Genome position (GRCh38, 1-based): chr7:93,105,398, T>C on the plus strand (A>G on the coding strand, the complement: SAMD9 is on the minus strand). VCF-style: chr7-93105398-T-C. GRCh37 (hg19) VCF-style: chr7-92734711-T-C.
Other names: c.700A>G, p.Thr234Ala (NM_001193307.2); c.700A>G (NM_017654.3); short protein forms T234A.
Identifiers: ClinVar variation 3016312 (VCV003016312.4), dbSNP rs1427245202, ClinGen allele CA368204147.
Genomic context (GRCh38, chr7:93,105,398, plus strand): 5'-TGGTGACTTTGATGCCAACAATTTTCCCATGGGGTTTGTCTTTGACTCCAAAATGAATAG[T>C]GCCATTGGTACGTGAATTCATACAAGCTGAAGCAAATCGGAAAACCTCATTGCTAAATTT-3'
Protein context (NP_060124.2, residues 224-244): SACMNSRTNG[Thr234Ala]IHFGVKDKPH

ClinVar aggregate classification (germline): Uncertain significance. Review status: criteria provided, multiple submitters, no conflicts (2 of 4 stars). 2 submissions from 2 submitters: Uncertain significance (2). Last evaluated 2024-12-12.

Conditions:
Inborn genetic diseases. Identifiers: MedGen C0950123, MeSH D030342.

Allele frequency attached by ClinVar (database versions not stated): gnomAD exomes below 0.00001; gnomAD 0.00001.
gnomAD v4.1: 3 of 1,613,948 alleles (0.00019%); highest among the groups gnomAD compares: Non-Finnish European, 0.00025%; no homozygotes.

Submissions (2):

Ambry Genetics
Classification: Uncertain significance for Inborn genetic diseases. Last evaluated: 2024-12-12. Review status: criteria provided, single submitter. Criteria: Ambry Variant Classification Scheme 2023. Collection method: clinical testing. Allele origin: germline.
Comment: The p.T234A variant (also known as c.700A>G), located in coding exon 1 of the SAMD9 gene, results from an A to G substitution at nucleotide position 700. The threonine at codon 234 is replaced by alanine, an amino acid with similar properties. This amino acid position is conserved. In addition, the in silico prediction for this alteration is inconclusive. Based on the available evidence, the clinical significance of this variant remains unclear.

Labcorp Genetics (formerly Invitae), Labcorp
Classification: Uncertain significance. Last evaluated: 2023-02-24. Review status: criteria provided, single submitter. Criteria: Invitae Variant Classification Sherloc (09022015). Collection method: clinical testing. Allele origin: germline.
Comment: In summary, the available evidence is currently insufficient to determine the role of this variant in disease. Therefore, it has been classified as a Variant of Uncertain Significance. Advanced modeling of protein sequence and biophysical properties (such as structural, functional, and spatial information, amino acid conservation, physicochemical variation, residue mobility, and thermodynamic stability) has been performed at Invitae for this missense variant, however the output from this modeling did not meet the statistical confidence thresholds required to predict the impact of this variant on SAMD9 protein function. This variant has not been reported in the literature in individuals affected with SAMD9-related conditions. This variant is present in population databases (no rsID available, gnomAD 0.007%). This sequence change replaces threonine, which is neutral and polar, with alanine, which is neutral and non-polar, at codon 234 of the SAMD9 protein (p.Thr234Ala).